The following is an entry in ClinVar:

ClinVar aggregate classification (germline): Uncertain significance (1 of 4 stars; one submission).

Conditions:
Developmental and epileptic encephalopathy, 42 (DEE42A). Also called: Epileptic encephalopathy, early infantile, 42; DEVELOPMENTAL AND EPILEPTIC ENCEPHALOPATHY 42A; EPILEPTIC ENCEPHALOPATHY, EARLY INFANTILE, 42A. Identifiers: MedGen C4310716, MONDO:0014917, OMIM 617106.
Episodic ataxia type 2 (EA2). Also called: ATAXIA, EPISODIC, WITH NYSTAGMUS; ATAXIA, FAMILIAL PAROXYSMAL; CEREBELLAR ATAXIA, PAROXYSMAL, ACETAZOLAMIDE-RESPONSIVE; CEREBELLOPATHY, HEREDITARY PAROXYSMAL; EPISODIC ATAXIA, NYSTAGMUS-ASSOCIATED; ACETAZOLAMIDE-RESPONSIVE HEREDITARY PAROXYSMAL CEREBELLAR ATAXIA. Identifiers: Orphanet 97, MedGen C1720416, MONDO:0007163, OMIM 108500.

Submission:

Labcorp Genetics (formerly Invitae), Labcorp
Classification: Uncertain significance for Developmental and epileptic encephalopathy, 42; Episodic ataxia type 2. Last evaluated: 2021-12-02. Review status: criteria provided, single submitter. Criteria: Invitae Variant Classification Sherloc (09022015). Collection method: clinical testing. Allele origin: germline.
Comment: This sequence change replaces aspartic acid, which is acidic and polar, with asparagine, which is neutral and polar, at codon 799 of the CACNA1A protein (p.Asp799Asn). This variant is not present in population databases (gnomAD no frequency). This variant has not been reported in the literature in individuals affected with CACNA1A-related conditions. Advanced modeling of protein sequence and biophysical properties (such as structural, functional, and spatial information, amino acid conservation, physicochemical variation, residue mobility, and thermodynamic stability) performed at Invitae indicates that this missense variant is not expected to disrupt CACNA1A protein function. In summary, the available evidence is currently insufficient to determine the role of this variant in disease. Therefore, it has been classified as a Variant of Uncertain Significance.

NM_001127222.2(CACNA1A):c.2392G>A (p.Asp798Asn)

Gene: CACNA1A (calcium voltage-gated channel subunit alpha1 A; minus strand). Cytogenetic location: 19p13.13.
Variant type: single nucleotide variant.
Coding change: c.2392G>A on transcript NM_001127222.2 (MANE Select); coding-DNA position 2392, G replaced by A.
Protein change: p.Asp798Asn; replaces aspartic acid 798 with asparagine.
Molecular consequence: missense variant.
Genome position (GRCh38, 1-based): chr19:13,299,241, C>T on the plus strand (G>A on the coding strand, the complement: CACNA1A is on the minus strand). VCF-style: chr19-13299241-C-T. GRCh37 (hg19) VCF-style: chr19-13410055-C-T.
Other names: c.2404G>A, p.Asp802Asn (NM_000068.4, NM_023035.3); c.2395G>A, p.Asp799Asn (NM_001127221.2, NM_001174080.2); short protein forms D799N, D798N, D802N.
Identifiers: ClinVar variation 1522446 (VCV001522446.6), dbSNP rs1380195853, ClinGen allele CA404343551.